The following is an entry in ClinVar:

NM_000108.5(DLD):c.1105G>T (p.Glu369Ter)

Gene: DLD (dihydrolipoamide dehydrogenase; plus strand). Cytogenetic location: 7q31.1.
Variant type: single nucleotide variant.
Coding change: c.1105G>T on transcript NM_000108.5 (MANE Select); coding-DNA position 1105, G replaced by T.
Protein change: p.Glu369Ter; replaces glutamic acid 369 with a stop codon.
Molecular consequence: nonsense.
Genome position (GRCh38, 1-based): chr7:107,917,331, G>T. VCF-style: chr7-107917331-G-T. GRCh37 (hg19) VCF-style: chr7-107557776-G-T.
Other names: c.808G>T, p.Glu270Ter (NM_001289750.1); c.1036G>T, p.Glu346Ter (NM_001289751.1); c.961G>T, p.Glu321Ter (NM_001289752.1); short protein forms E270*, E321*, E346*, E369*.
Identifiers: ClinVar variation 984092 (VCV000984092.3), dbSNP rs2032293119, ClinGen allele CA368858202.
Genomic context (GRCh38, chr7:107,917,331, plus strand): 5'-AGTATCTATGCCATTGGTGATGTAGTTGCTGGTCCAATGCTGGCTCACAAAGCAGAGGAT[G>T]AAGGCATTATCTGTGTTGAAGGAATGGCTGGTGGTGCTGTGCACATTGACTACAATTGTG-3'

ClinVar aggregate classification (germline): Likely pathogenic (1 of 4 stars; one submission).

Conditions:
Pyruvate dehydrogenase E3 deficiency (DLDD). Also called: Dihydrolipoamide Dehydrogenase E3 Deficiency; DLD DEFICIENCY; E3 DEFICIENCY; Dihydrolipoamide Dehydrogenase (E3) Deficiency; Lipoamide dehydrogenase deficiency; MAPLE SYRUP URINE DISEASE, TYPE III. Identifiers: Orphanet 2394, Orphanet 765, MedGen C5574660, MONDO:0009529, OMIM 246900.

Submission:

Myriad Genetics, Inc.
Classification: Likely pathogenic for Pyruvate dehydrogenase E3 deficiency. Last evaluated: 2019-09-29. Review status: criteria provided, single submitter. Criteria: Myriad Women's Health Autosomal Recessive and X-Linked Classification Criteria (2019). Collection method: clinical testing. Allele origin: unknown.
Comment: NM_000108.3(DLD):c.1105G>T(E369*) is expected to be pathogenic in the context of dihydrolipoamide dehydrogenase deficiency. This variant is predicted to lead to an abnormal or absent protein product due to the creation of a premature termination codon in DLD, a gene where loss-of-function variants are known to be pathogenic. Please note: this variant was assessed in the context of healthy population screening.